The following is an entry in ClinVar:

NM_003482.4(KMT2D):c.1556C>T (p.Pro519Leu)

Gene: KMT2D (lysine methyltransferase 2D; minus strand). Cytogenetic location: 12q13.12.
Variant type: single nucleotide variant.
Coding change: c.1556C>T on transcript NM_003482.4 (MANE Select); coding-DNA position 1556, C replaced by T.
Protein change: p.Pro519Leu; replaces proline 519 with leucine.
Molecular consequence: missense variant.
Genome position (GRCh38, 1-based): chr12:49,052,127, G>A on the plus strand (C>T on the coding strand, the complement: KMT2D is on the minus strand). VCF-style: chr12-49052127-G-A. GRCh37 (hg19) VCF-style: chr12-49445910-G-A.
Other names: short protein forms P519L.
Identifiers: ClinVar variation 4807494 (VCV004807494.1).

ClinVar aggregate classification (germline): Uncertain significance (1 of 4 stars; one submission).

Conditions:
Kabuki syndrome. Also called: NIIKAWA-KUROKI SYNDROME; Kabuki make-up syndrome. Identifiers: Orphanet 2322, MedGen C0796004, MONDO:0016512.

gnomAD v4.1: 4 of 1,613,190 alleles (0.00025%); highest among the groups gnomAD compares: Non-Finnish European, 0.00034%; no homozygotes.

Submission:

Labcorp Genetics (formerly Invitae), Labcorp
Classification: Uncertain significance for Kabuki syndrome. Last evaluated: 2025-09-15. Review status: criteria provided, single submitter. Criteria: Invitae Variant Classification Sherloc (09022015). Collection method: clinical testing. Allele origin: germline.
Comment: This sequence change replaces proline, which is neutral and non-polar, with leucine, which is neutral and non-polar, at codon 519 of the KMT2D protein (p.Pro519Leu). This variant is not present in population databases (gnomAD no frequency). This variant has not been reported in the literature in individuals affected with KMT2D-related conditions. Invitae Evidence Modeling of protein sequence and biophysical properties (such as structural, functional, and spatial information, amino acid conservation, physicochemical variation, residue mobility, and thermodynamic stability) indicates that this missense variant is not expected to disrupt KMT2D protein function with a negative predictive value of 95%. In summary, the available evidence is currently insufficient to determine the role of this variant in disease. Therefore, it has been classified as a Variant of Uncertain Significance.